The following is an entry in ClinVar:

ClinVar aggregate classification (germline): Uncertain significance (1 of 4 stars; one submission).

gnomAD v4.1: 100 of 1,614,126 alleles (0.0062%); highest among the groups gnomAD compares: South Asian, 0.0088%; no homozygotes.

Submission:

Athena Diagnostics
Classification: Uncertain significance. Last evaluated: 2024-12-04. Review status: criteria provided, single submitter. Criteria: Athena Diagnostics Criteria. Collection method: clinical testing. Allele origin: unknown.
Comment: Available data are insufficient to determine the clinical significance of the variant at this time. The frequency of this variant in the general population is higher than would generally be expected for pathogenic variants in this gene. Polyphen and MutationTaster predict this amino acid change may be benign.

NM_001961.4(EEF2):c.979G>A (p.Asp327Asn)

Gene: EEF2 (eukaryotic translation elongation factor 2; minus strand). Cytogenetic location: 19p13.3.
Variant type: single nucleotide variant.
Coding change: c.979G>A on transcript NM_001961.4 (MANE Select); coding-DNA position 979, G replaced by A.
Protein change: p.Asp327Asn; replaces aspartic acid 327 with asparagine.
Molecular consequence: missense variant.
Genome position (GRCh38, 1-based): chr19:3,981,371, C>T on the plus strand (G>A on the coding strand, the complement: EEF2 is on the minus strand). VCF-style: chr19-3981371-C-T. GRCh37 (hg19) VCF-style: chr19-3981369-C-T.
Other names: short protein forms D327N.
Identifiers: ClinVar variation 3571979 (VCV003571979.2).